The following is an entry in ClinVar:

ClinVar aggregate classification (germline): Uncertain significance. Review status: criteria provided, multiple submitters, no conflicts (2 of 4 stars). 2 submissions from 2 submitters: Uncertain significance (2). Last evaluated 2024-12-24.

Conditions:
Hypertrophic cardiomyopathy. Also called: HYPERTROPHIC MYOCARDIOPATHY. Identifiers: Orphanet 217569, MedGen C0007194, MeSH D002312, MONDO:0005045, HP:0001639.

gnomAD v4.1: 9 of 1,613,246 alleles (0.00056%); highest among the groups gnomAD compares: Admixed American, 0.0067%; no homozygotes.

Submissions (2):

Ambry Genetics
Classification: Uncertain significance. Last evaluated: 2024-12-24. Review status: criteria provided, single submitter. Criteria: Ambry Variant Classification Scheme 2023. Collection method: clinical testing. Allele origin: germline.

Labcorp Genetics (formerly Invitae), Labcorp
Classification: Uncertain significance for Hypertrophic cardiomyopathy. Last evaluated: 2024-06-03. Review status: criteria provided, single submitter. Criteria: Invitae Variant Classification Sherloc (09022015). Collection method: clinical testing. Allele origin: germline.
Comment: This sequence change replaces leucine, which is neutral and non-polar, with serine, which is neutral and polar, at codon 514 of the MYOM1 protein (p.Leu514Ser). This variant is present in population databases (no rsID available, gnomAD 0.0008%). This variant has not been reported in the literature in individuals affected with MYOM1-related conditions. Advanced modeling of protein sequence and biophysical properties (such as structural, functional, and spatial information, amino acid conservation, physicochemical variation, residue mobility, and thermodynamic stability) has been performed at Invitae for this missense variant, however the output from this modeling did not meet the statistical confidence thresholds required to predict the impact of this variant on MYOM1 protein function. In summary, the available evidence is currently insufficient to determine the role of this variant in disease. Therefore, it has been classified as a Variant of Uncertain Significance.

NM_003803.4(MYOM1):c.1541T>C (p.Leu514Ser)

Gene: MYOM1 (myomesin 1; minus strand). Cytogenetic location: 18p11.31.
Variant type: single nucleotide variant.
Coding change: c.1541T>C on transcript NM_003803.4 (MANE Select); coding-DNA position 1541, T replaced by C.
Protein change: p.Leu514Ser; replaces leucine 514 with serine.
Molecular consequence: missense variant.
Genome position (GRCh38, 1-based): chr18:3,155,049, A>G on the plus strand (T>C on the coding strand, the complement: MYOM1 is on the minus strand). VCF-style: chr18-3155049-A-G. GRCh37 (hg19) VCF-style: chr18-3155047-A-G.
Other names: c.1541T>C, p.Leu514Ser (NM_019856.2); short protein forms L514S.
Identifiers: ClinVar variation 3298014 (VCV003298014.4).